The following is an entry in ClinVar:

NM_005502.4(ABCA1):c.6732del (p.Ala2245fs)

Genes: ABCA1 (ATP binding cassette subfamily A member 1; minus strand), NIPSNAP3B (nipsnap homolog 3B; plus strand). Cytogenetic location: 9q31.1.
Variant type: Deletion.
Coding change: c.6732del on transcript NM_005502.4 (MANE Select); coding-DNA position 6732, one base deleted (T; older notation c.6732delT).
Protein change: p.Ala2245fs; shifts the reading frame from alanine 2245.
Molecular consequence: frameshift variant.
Genome position (GRCh38, 1-based): chr9:104,784,369, A deleted on the plus strand (T on the coding strand, the reverse complement: ABCA1 is on the minus strand); the first of 2 consecutive A bases (chr9:104,784,369-104,784,370); deleting either gives the same sequence. VCF-style (leftmost placement, unchanged base first): chr9-104784368-CA-C. GRCh37 (hg19) VCF-style: chr9-107546649-CA-C.
Other names: short protein forms A2245fs.
Identifiers: ClinVar variation 1370898 (VCV001370898.6), dbSNP rs2118828791, ClinGen allele CA2573143704.
Genomic context (GRCh38, chr9:104,784,368, plus strand): 5'-GGATTCTTCATACATAGCTTTCTTTCACTTTCTCATCCTGTAGAAAAGATGTGAGAACTG[CA>C]ACGTCCACTACTGTCTGGTTTTTGTGTAATGAGAGGTCTTTTAAGTGGTCATCATCACTT-3'

ClinVar aggregate classification (germline): Uncertain significance (1 of 4 stars; one submission).

Submission:

Labcorp Genetics (formerly Invitae), Labcorp
Classification: Uncertain significance. Last evaluated: 2024-10-24. Review status: criteria provided, single submitter. Criteria: Invitae Variant Classification Sherloc (09022015). Collection method: clinical testing. Allele origin: germline.
Comment: This sequence change creates a premature translational stop signal (p.Ala2245Glnfs*12) in the ABCA1 gene. While this is not anticipated to result in nonsense mediated decay, it is expected to disrupt the last 17 amino acid(s) of the ABCA1 protein. This variant is not present in population databases (gnomAD no frequency). This variant has not been reported in the literature in individuals affected with ABCA1-related conditions. ClinVar contains an entry for this variant (Variation ID: 1370898). Experimental studies and prediction algorithms are not available or were not evaluated, and the functional significance of this variant is currently unknown. In summary, the available evidence is currently insufficient to determine the role of this variant in disease. Therefore, it has been classified as a Variant of Uncertain Significance.